The following is an entry in ClinVar:

NM_004380.3(CREBBP):c.5251G>A (p.Asp1751Asn)

Gene: CREBBP (CREB binding lysine acetyltransferase; minus strand). Cytogenetic location: 16p13.3.
Variant type: single nucleotide variant.
Coding change: c.5251G>A on transcript NM_004380.3 (MANE Select); coding-DNA position 5251, G replaced by A.
Protein change: p.Asp1751Asn; replaces aspartic acid 1751 with asparagine.
Molecular consequence: missense variant.
Genome position (GRCh38, 1-based): chr16:3,729,796, C>T on the plus strand (G>A on the coding strand, the complement: CREBBP is on the minus strand). VCF-style: chr16-3729796-C-T. GRCh37 (hg19) VCF-style: chr16-3779797-C-T.
Other names: c.5137G>A, p.Asp1713Asn (NM_001079846.1); short protein forms D1713N, D1751N.
Identifiers: ClinVar variation 4855228 (VCV004855228.1).

ClinVar aggregate classification (germline): Uncertain significance (1 of 4 stars; one submission).

Conditions:
CREBBP-related disorder. Also called: CREBBP-related condition; CREBBP-related disorders.

Submission:

3billion
Classification: Uncertain significance for CREBBP-related disorder. Last evaluated: 2025-07-30. Review status: criteria provided, single submitter. Criteria: ACMG Guidelines, 2015. Collection method: clinical testing. Allele origin: germline. Affected: yes.
Comment: The variant is not observed in the gnomAD v4.1.0 dataset. Predicted Consequence/Location: Missense variant Damaging effect on gene or gene product predicted by in silico programs is uncertain [REVEL: 0.41 (damaging >=0.6, benign <0.4), 3Cnet: 0.67 (damaging >0.75, benign <0.1)]. Therefore, this variant is classified as VUS according to the recommendation of ACMG/AMP guideline.